The following is an entry in ClinVar:

NM_005876.5(SPEG):c.7105G>A (p.Glu2369Lys)

Genes: ASIC4-AS1 (ASIC4 antisense RNA 1; minus strand), SPEG (striated muscle enriched protein kinase; plus strand). Cytogenetic location: 2q35.
Variant type: single nucleotide variant.
Coding change: c.7105G>A on transcript NM_005876.5 (MANE Select); coding-DNA position 7105, G replaced by A.
Protein change: p.Glu2369Lys; replaces glutamic acid 2369 with lysine.
Molecular consequence: missense variant.
Genome position (GRCh38, 1-based): chr2:219,484,568, G>A. VCF-style: chr2-219484568-G-A. GRCh37 (hg19) VCF-style: chr2-220349290-G-A.
Other names: c.7105G>A (NM_005876.4); short protein forms E2369K.
Identifiers: ClinVar variation 1408142 (VCV001408142.7), dbSNP rs756008659, ClinGen allele CA2127176.

ClinVar aggregate classification (germline): Uncertain significance. Review status: criteria provided, multiple submitters, no conflicts (2 of 4 stars). 2 submissions from 2 submitters: Uncertain significance (2). Last evaluated 2025-02-22.

Conditions:
Inborn genetic diseases. Identifiers: MedGen C0950123, MeSH D030342.

Allele frequency attached by ClinVar (database versions not stated): gnomAD 0.00001; TOPMed 0.00001; gnomAD exomes 0.00002; ExAC 0.00006.
gnomAD v4.1: 10 of 1,586,278 alleles (0.00063%); highest among the groups gnomAD compares: Non-Finnish European, 0.00077%; no homozygotes.

Submissions (2):

Ambry Genetics
Classification: Uncertain significance for Inborn genetic diseases. Last evaluated: 2025-02-22. Review status: criteria provided, single submitter. Criteria: Ambry Variant Classification Scheme 2023. Collection method: clinical testing. Allele origin: germline.

Labcorp Genetics (formerly Invitae), Labcorp
Classification: Uncertain significance. Last evaluated: 2023-12-19. Review status: criteria provided, single submitter. Criteria: Invitae Variant Classification Sherloc (09022015). Collection method: clinical testing. Allele origin: germline.
Comment: This sequence change replaces glutamic acid, which is acidic and polar, with lysine, which is basic and polar, at codon 2369 of the SPEG protein (p.Glu2369Lys). This variant is present in population databases (rs756008659, gnomAD 0.004%). This variant has not been reported in the literature in individuals affected with SPEG-related conditions. ClinVar contains an entry for this variant (Variation ID: 1408142). An algorithm developed to predict the effect of missense changes on protein structure and function (PolyPhen-2) suggests that this variant is likely to be tolerated. In summary, the available evidence is currently insufficient to determine the role of this variant in disease. Therefore, it has been classified as a Variant of Uncertain Significance.